The following is an entry in ClinVar:

NM_000257.4(MYH7):c.1913C>T (p.Ala638Val)

Gene: MYH7 (myosin heavy chain 7; minus strand). Cytogenetic location: 14q11.2.
Variant type: single nucleotide variant.
Coding change: c.1913C>T on transcript NM_000257.4 (MANE Select); coding-DNA position 1913, C replaced by T.
Protein change: p.Ala638Val; replaces alanine 638 with valine.
Molecular consequence: missense variant.
Genome position (GRCh38, 1-based): chr14:23,427,283, G>A on the plus strand (C>T on the coding strand, the complement: MYH7 is on the minus strand). VCF-style: chr14-23427283-G-A. GRCh37 (hg19) VCF-style: chr14-23896492-G-A.
Other names: short protein forms A638V.
Identifiers: ClinVar variation 178083 (VCV000178083.21), dbSNP rs369935820, ClinGen allele CA011449.
Genomic context (GRCh38, chr14:23,427,283, plus strand): 5'-GGCTGTGTCCCACTCACCCTGTGCAGAGCTGACACAGTCTGAAAGGACGAGCCTTTCTTG[G>A]CCTTGCCTTTGCCCTTCTCAATAGCTGCAGGAAGGAGAGTCAACAAAAGAAGCATCAGTG-3'
Protein context (NP_000248.2, residues 628-648): DAPIEKGKGK[Ala638Val]KKGSSFQTVS

ClinVar aggregate classification (germline): Uncertain significance. Review status: criteria provided, multiple submitters, no conflicts (2 of 4 stars). 8 submissions from 8 submitters: Uncertain significance (8). Last evaluated 2026-03-26.

Conditions:
MYH7-related disorder. Also called: MYH7-related condition; MYH7-related disease; MYH7-related disorders.
Myopathy, myosin storage, autosomal recessive (CMYO7B). Also called: CONGENITAL MYOPATHY 7B, MYOSIN STORAGE, AUTOSOMAL RECESSIVE. Identifiers: Orphanet 636970, MedGen C1850709, MONDO:0009708, OMIM 255160.
Dilated cardiomyopathy 1S (CMD1S). Identifiers: Orphanet 154, Orphanet 54260, MedGen C1834481, MONDO:0013262, OMIM 613426.
Hypertrophic cardiomyopathy 1 (CMH1). Also called: MYH7-Related Familial Hypertrophic Cardiomyopathy; Familial hypertrophic cardiomyopathy 1. Identifiers: MedGen C3495498, MONDO:0008647, OMIM 192600.
MYH7-related skeletal myopathy. Also called: Myopathy, distal, 1; Laing distal myopathy; Laing early-onset distal myopathy; MYOPATHY, DISTAL, EARLY-ONSET, AUTOSOMAL DOMINANT; MYOPATHY, LATE DISTAL HEREDITARY. Identifiers: Orphanet 59135, MedGen C4552004, MONDO:0008050, OMIM 160500.
Myosin storage myopathy (CMYO7A). Also called: MYH7-related late-onset scapuloperoneal muscular dystrophy; Congenital myopathy 7A, myosin storage, autosomal dominant; MYOPATHY, HYALINE BODY, AUTOSOMAL DOMINANT; SCAPULOPERONEAL MUSCULAR DYSTROPHY; SCAPULOPERONEAL SYNDROME, MYOPATHIC TYPE; Scapuloperoneal myopathy, MYH7-related. Identifiers: Orphanet 437572, Orphanet 636965, MedGen C1842160, MONDO:0008409, OMIM 608358.
Congenital myopathy with fiber type disproportion. Also called: Congenital fiber-type disproportion myopathy; Congenital fiber-type disproportion. Identifiers: Orphanet 2020, MedGen C0546264, MONDO:0009711. Inheritance: all.
Cardiovascular phenotype. Identifiers: MedGen CN230736.
Cardiomyopathy (CMYO). Also called: Cardiomyopathies. Identifiers: Orphanet 167848, MedGen C0878544, MONDO:0004994, HP:0001638. Inheritance: Various modes of inheritance.
Hypertrophic cardiomyopathy. Also called: HYPERTROPHIC MYOCARDIOPATHY. Identifiers: Orphanet 217569, MedGen C0007194, MeSH D002312, MONDO:0005045, HP:0001639.

Allele frequency attached by ClinVar (database versions not stated): gnomAD 0.00002; TOPMed 0.00002; ESP Exome Variant Server 0.00008; gnomAD exomes below 0.00001 and 0.00001; ExAC 0.00001.
gnomAD v4.1: 19 of 1,614,058 alleles (0.0012%); highest among the groups gnomAD compares: Non-Finnish European, 0.0016%; no homozygotes.

Submissions (8):

PreventionGenetics, part of Exact Sciences
Classification: Uncertain significance for MYH7-related condition. Last evaluated: 2026-03-26. Review status: criteria provided, single submitter. Criteria: ACMG Guidelines, 2015. Collection method: clinical testing. Allele origin: germline.
Comment: The MYH7 c.1913C>T variant is predicted to result in the amino acid substitution p.Ala638Val. This variant has not been reported in the literature in individuals with MYH7-related disorders. This variant is reported in 0.0062% of alleles in individuals of African descent in gnomAD and is interpreted as uncertain in ClinVar (Variation ID: 178083). At this time, the clinical significance of this variant is uncertain due to the absence of conclusive functional and genetic evidence.

Mayo Clinic Laboratories, Mayo Clinic
Classification: Uncertain significance. Last evaluated: 2025-10-02. Review status: criteria provided, single submitter. Criteria: ACMG Guidelines, 2015. Collection method: clinical testing. Allele origin: germline. Observed: 1 variant allele.

Ambry Genetics
Classification: Uncertain significance for Cardiovascular phenotype. Last evaluated: 2025-01-03. Review status: criteria provided, single submitter. Criteria: Ambry Variant Classification Scheme 2023. Collection method: clinical testing. Allele origin: germline.
Comment: The p.A638V variant (also known as c.1913C>T), located in coding exon 15 of the MYH7 gene, results from a C to T substitution at nucleotide position 1913. The alanine at codon 638 is replaced by valine, an amino acid with similar properties. This variant has been reported in association with hypertrophic cardiomyopathy (HCM) (Homburger JR et al. Proc Natl Acad Sci U S A, 2016 Jun;113:6701-6). This alteration is located in the myosin head domain, which contains a statistically significant clustering of pathogenic missense variants (Homburger JR et al. Proc Natl Acad Sci U S A, 2016 06;113:6701-6; Walsh R et al. Genet Med, 2017 02;19:192-203; Ambry internal data). This amino acid position is well conserved in available vertebrate species. In addition, this alteration is predicted to be tolerated by in silico analysis. Based on the available evidence, the clinical significance of this variant remains unclear.

Color Diagnostics, LLC DBA Color Health
Classification: Uncertain significance for Cardiomyopathy. Last evaluated: 2024-03-06. Review status: criteria provided, single submitter. Criteria: ACMG Guidelines, 2015. Collection method: clinical testing. Allele origin: germline.
Comment: This missense variant replaces alanine with valine at codon 638 of the MYH7 protein. Computational prediction suggests that this variant may not impact protein structure and function (internally defined REVEL score threshold <= 0.5, PMID: 27666373). To our knowledge, functional studies have not been reported for this variant. This variant has not been reported in individuals affected with MYH7-related disorders in the literature. This variant has been identified in 1/251420 chromosomes in the general population by the Genome Aggregation Database (gnomAD). The available evidence is insufficient to determine the role of this variant in disease conclusively. Therefore, this variant is classified as a Variant of Uncertain Significance.

All of Us Research Program, National Institutes of Health
Classification: Uncertain significance for Cardiomyopathy. Last evaluated: 2023-11-30. Review status: criteria provided, single submitter. Criteria: ACMG Guidelines, 2015. Collection method: clinical testing. Allele origin: germline. Inheritance: Autosomal dominant inheritance. Observed: 4 variant alleles, 4 heterozygotes.
Comment: This missense variant replaces alanine with valine at codon 638 of the MYH7 protein. Computational prediction suggests that this variant may not impact protein structure and function (internally defined REVEL score threshold <= 0.5, PMID: 27666373). To our knowledge, functional studies have not been reported for this variant. This variant has not been reported in individuals affected with MYH7-related disorders in the literature. This variant has been identified in 1/251420 chromosomes in the general population by the Genome Aggregation Database (gnomAD). The available evidence is insufficient to determine the role of this variant in disease conclusively. Therefore, this variant is classified as a Variant of Uncertain Significance.

This study involves interpretation of variants in research participants for the purpose of population health screening. Participant phenotype was not available at the time of variant classification. Additional details can be found in publication PMID: 35346344, PMCID: PMC8962531

Labcorp Genetics (formerly Invitae), Labcorp
Classification: Uncertain significance for Hypertrophic cardiomyopathy. Last evaluated: 2023-08-17. Review status: criteria provided, single submitter. Criteria: Invitae Variant Classification Sherloc (09022015). Collection method: clinical testing. Allele origin: germline.
Comment: This sequence change replaces alanine, which is neutral and non-polar, with valine, which is neutral and non-polar, at codon 638 of the MYH7 protein (p.Ala638Val). In summary, the available evidence is currently insufficient to determine the role of this variant in disease. Therefore, it has been classified as a Variant of Uncertain Significance. Advanced modeling of protein sequence and biophysical properties (such as structural, functional, and spatial information, amino acid conservation, physicochemical variation, residue mobility, and thermodynamic stability) has been performed at Invitae for this missense variant, however the output from this modeling did not meet the statistical confidence thresholds required to predict the impact of this variant on MYH7 protein function. ClinVar contains an entry for this variant (Variation ID: 178083). This variant has not been reported in the literature in individuals affected with MYH7-related conditions. This variant is not present in population databases (gnomAD no frequency).

Fulgent Genetics
Classification: Uncertain significance for MYH7-related skeletal myopathy; Myosin storage myopathy; Hypertrophic cardiomyopathy 1; Myopathy, myosin storage, autosomal recessive; Congenital myopathy 4A, autosomal dominant; Dilated cardiomyopathy 1S. Last evaluated: 2021-08-19. Review status: criteria provided, single submitter. Criteria: ACMG Guidelines, 2015. Collection method: clinical testing. Allele origin: unknown.

Laboratory for Molecular Medicine, Mass General Brigham Personalized Medicine
Classification: Uncertain significance. Last evaluated: 2014-07-14. Review status: criteria provided, single submitter. Criteria: LMM Criteria. Collection method: clinical testing. Allele origin: germline. Observed: 1 variant allele.

Literature cited by the submitters: PubMed 27247418 (cited by Mayo Clinic Laboratories, Mayo Clinic and Ambry Genetics).